The following is an entry in ClinVar:

ClinVar aggregate classification (germline): Conflicting classifications of pathogenicity. Review status: criteria provided, conflicting classifications (1 of 4 stars). 2 submissions from 2 submitters: Uncertain significance (1); Likely benign (1). Last evaluated 2026-05-15.

Conditions:
Hereditary cancer-predisposing syndrome. Also called: Tumor predisposition; Neoplastic Syndromes, Hereditary; Hereditary neoplastic syndrome; Hereditary Cancer Syndrome. Identifiers: Orphanet 140162, MedGen C0027672, MeSH D009386, MONDO:0015356.
Hereditary diffuse gastric adenocarcinoma (HDGC). Also called: DIFFUSE GASTRIC AND LOBULAR BREAST CANCER SYNDROME. Identifiers: Orphanet 26106, MedGen C1708349, MONDO:0007648, OMIM 137215.

Allele frequency attached by ClinVar (database versions not stated): gnomAD 0.00001; TOPMed below 0.00001.
gnomAD v4.1: 1 of 1,613,968 alleles (0.000062%); highest among the groups gnomAD compares: Non-Finnish European, 0.000085%; no homozygotes.

Submissions (2):

Ambry Genetics
Classification: Likely benign for Hereditary cancer-predisposing syndrome. Last evaluated: 2026-05-15. Review status: criteria provided, single submitter. Criteria: Ambry Variant Classification Scheme 2023. Collection method: clinical testing. Allele origin: germline.

Labcorp Genetics (formerly Invitae), Labcorp
Classification: Uncertain significance for Hereditary diffuse gastric adenocarcinoma. Last evaluated: 2024-04-12. Review status: criteria provided, single submitter. Criteria: Invitae Variant Classification Sherloc (09022015). Collection method: clinical testing. Allele origin: germline.
Comment: This sequence change replaces alanine, which is neutral and non-polar, with glycine, which is neutral and non-polar, at codon 241 of the CDH1 protein (p.Ala241Gly). This variant is not present in population databases (gnomAD no frequency). This variant has not been reported in the literature in individuals affected with CDH1-related conditions. ClinVar contains an entry for this variant (Variation ID: 826920). An algorithm developed to predict the effect of missense changes on protein structure and function (PolyPhen-2) suggests that this variant is likely to be tolerated. In summary, the available evidence is currently insufficient to determine the role of this variant in disease. Therefore, it has been classified as a Variant of Uncertain Significance.

NM_004360.5(CDH1):c.722C>G (p.Ala241Gly)

Gene: CDH1 (cadherin 1; plus strand). Cytogenetic location: 16q22.1.
Variant type: single nucleotide variant.
Coding change: c.722C>G on transcript NM_004360.5 (MANE Select); coding-DNA position 722, C replaced by G.
Protein change: p.Ala241Gly; replaces alanine 241 with glycine.
Molecular consequence: missense variant. On other transcripts: 5 prime UTR variant (2).
Genome position (GRCh38, 1-based): chr16:68,810,231, C>G. VCF-style: chr16-68810231-C-G. GRCh37 (hg19) VCF-style: chr16-68844134-C-G.
Other names: c.722C>G, p.Ala241Gly (NM_001317184.2); c.-894C>G (NM_001317185.2); c.-1098C>G (NM_001317186.2); short protein forms A241G.
Identifiers: ClinVar variation 826920 (VCV000826920.15), dbSNP rs1267605366, ClinGen allele CA396458474.